The following is an entry in ClinVar:

NM_003737.4(DCHS1):c.8586C>G (p.Asn2862Lys)

Gene: DCHS1 (dachsous cadherin-related 1; minus strand). Cytogenetic location: 11p15.4.
Variant type: single nucleotide variant.
Coding change: c.8586C>G on transcript NM_003737.4 (MANE Select); coding-DNA position 8586, C replaced by G.
Protein change: p.Asn2862Lys; replaces asparagine 2862 with lysine.
Molecular consequence: missense variant.
Genome position (GRCh38, 1-based): chr11:6,623,090, G>C on the plus strand (C>G on the coding strand, the complement: DCHS1 is on the minus strand). VCF-style: chr11-6623090-G-C. GRCh37 (hg19) VCF-style: chr11-6644321-G-C.
Other names: short protein forms N2862K.
Identifiers: ClinVar variation 2067763 (VCV002067763.4), dbSNP rs374582881, ClinGen allele CA5859397.

ClinVar aggregate classification (germline): Uncertain significance (1 of 4 stars; one submission).

Allele frequency attached by ClinVar (database versions not stated): gnomAD exomes 0.00003; gnomAD 0.00005; ExAC 0.00006; ESP Exome Variant Server 0.00008; TOPMed 0.00008.
gnomAD v4.1: 54 of 1,598,444 alleles (0.0034%); highest among the groups gnomAD compares: Admixed American, 0.052%; no homozygotes.

Submission:

Labcorp Genetics (formerly Invitae), Labcorp
Classification: Uncertain significance. Last evaluated: 2025-10-14. Review status: criteria provided, single submitter. Criteria: Invitae Variant Classification Sherloc (09022015). Collection method: clinical testing. Allele origin: germline.
Comment: This sequence change replaces asparagine, which is neutral and polar, with lysine, which is basic and polar, at codon 2862 of the DCHS1 protein (p.Asn2862Lys). This variant is present in population databases (rs374582881, gnomAD 0.05%). This variant has not been reported in the literature in individuals affected with DCHS1-related conditions. ClinVar contains an entry for this variant (Variation ID: 2067763). Invitae Evidence Modeling of protein sequence and biophysical properties (such as structural, functional, and spatial information, amino acid conservation, physicochemical variation, residue mobility, and thermodynamic stability) indicates that this missense variant is not expected to disrupt DCHS1 protein function with a negative predictive value of 80%. In summary, the available evidence is currently insufficient to determine the role of this variant in disease. Therefore, it has been classified as a Variant of Uncertain Significance.